The following is an entry in ClinVar:

NM_174936.4(PCSK9):c.1995_2001dup (p.Ser668fs)

Gene: PCSK9 (proprotein convertase subtilisin/kexin type 9; plus strand). Cytogenetic location: 1p32.3.
Variant type: Duplication.
Coding change: c.1995_2001dup on transcript NM_174936.4 (MANE Select); coding-DNA positions 1995 to 2001, 7 bases duplicated (CAGCACC; older notation c.1995_2001dupCAGCACC).
Protein change: p.Ser668fs; shifts the reading frame from serine 668.
Molecular consequence: frameshift variant. On other transcripts: non-coding transcript variant (8).
Genome position (GRCh38, 1-based): chr1:55,063,500-55,063,506, CAGCACC duplicated. VCF-style (leftmost placement, unchanged base first): chr1-55063499-G-GCAGCACC. GRCh37 (hg19) VCF-style: chr1-55529172-G-GCAGCACC.
Other names: c.2118_2124dup, p.Ser709fs (NM_001407240.1); c.2037_2043dup, p.Ser682fs (NM_001407241.1); c.1998_2004dup, p.Ser669fs (NM_001407242.1); c.1938_1944dup, p.Ser649fs (NM_001407243.1); c.1821_1827dup, p.Ser610fs (NM_001407244.1); c.1803_1809dup, p.Ser604fs (NM_001407245.1); c.1620_1626dup, p.Ser543fs (NM_001407246.1); c.1494_1500dup, p.Ser501fs (NM_001407247.1); short protein forms S501fs, S543fs, S604fs, S610fs, S649fs, S668fs, S669fs, S682fs.
Identifiers: ClinVar variation 3072540 (VCV003072540.1), dbSNP rs2523287083, ClinGen allele CA2825000983.

ClinVar aggregate classification (germline): Likely benign (1 of 4 stars; one submission).

Conditions:
Hypercholesterolemia, autosomal dominant, 3 (FHCL3). Also called: Familial Hypercholesterolemia, Autosomal Dominant, 3; PCSK9-Related Familial Hypercholesterolemia, Autosomal Dominant; Familial hypercholesterolemia 3. Identifiers: MedGen C1863551, MONDO:0011369, OMIM 603776.

Submission:

All of Us Research Program, National Institutes of Health
Classification: Likely benign for Hypercholesterolemia, autosomal dominant, 3. Last evaluated: 2023-07-22. Review status: criteria provided, single submitter. Criteria: ACMG Guidelines, 2015. Collection method: clinical testing. Allele origin: germline. Inheritance: Autosomal dominant inheritance. Observed: 1 variant allele, 1 heterozygote.
Comment: This study involves interpretation of variants in research participants for the purpose of population health screening. Participant phenotype was not available at the time of variant classification. Additional details can be found in publication PMID: 35346344, PMCID: PMC8962531